The following is an entry in ClinVar:

ClinVar aggregate classification (germline): Uncertain significance. Review status: criteria provided, multiple submitters, no conflicts (2 of 4 stars). 2 submissions from 2 submitters: Uncertain significance (2). Last evaluated 2024-06-07.

Conditions:
Joubert syndrome 28 (JBTS28). Identifiers: MedGen C4310705, MONDO:0014928, OMIM 617121.
Meckel syndrome, type 1 (MKS1). Also called: MECKEL-GRUBER SYNDROME, TYPE 1. Identifiers: Orphanet 564, MedGen C3714506, MONDO:0009571, OMIM 249000.
Bardet-Biedl syndrome 13 (BBS13). Identifiers: Orphanet 110, MedGen C2673873, MONDO:0014441, OMIM 615990.
Joubert syndrome. Also called: CEREBELLOPARENCHYMAL DISORDER IV; JOUBERT-BOLTSHAUSER SYNDROME; Familial aplasia of the vermis. Identifiers: Orphanet 475, MedGen C5979921, MONDO:0018772.
Meckel-Gruber syndrome. Also called: DYSENCEPHALIA SPLANCHNOCYSTICA; GRUBER SYNDROME; Dysencephalia splachnocystica. Identifiers: Orphanet 564, MedGen C0265215, MONDO:0018921.

Submissions (2):

Fulgent Genetics
Classification: Uncertain significance for Meckel syndrome, type 1; Bardet-Biedl syndrome 13; Joubert syndrome 28. Last evaluated: 2024-06-07. Review status: criteria provided, single submitter. Criteria: ACMG Guidelines, 2015. Collection method: clinical testing. Allele origin: germline.

Labcorp Genetics (formerly Invitae), Labcorp
Classification: Uncertain significance for Joubert syndrome; Meckel-Gruber syndrome. Last evaluated: 2021-09-01. Review status: criteria provided, single submitter. Criteria: Invitae Variant Classification Sherloc (09022015). Collection method: clinical testing. Allele origin: germline.
Comment: This sequence change replaces arginine with histidine at codon 16 of the MKS1 protein (p.Arg16His). The arginine residue is moderately conserved and there is a small physicochemical difference between arginine and histidine. This variant is not present in population databases (ExAC no frequency). This variant has not been reported in the literature in individuals affected with MKS1-related conditions. Advanced modeling of protein sequence and biophysical properties (such as structural, functional, and spatial information, amino acid conservation, physicochemical variation, residue mobility, and thermodynamic stability) performed at Invitae indicates that this missense variant is expected to disrupt MKS1 protein function. In summary, the available evidence is currently insufficient to determine the role of this variant in disease. Therefore, it has been classified as a Variant of Uncertain Significance.

NM_017777.4(MKS1):c.47G>A (p.Arg16His)

Genes: MKS1 (MKS transition zone complex subunit 1; minus strand), LOC130061271 (ATAC-STARR-seq lymphoblastoid active region 12461; plus strand). Cytogenetic location: 17q22.
Variant type: single nucleotide variant.
Coding change: c.47G>A on transcript NM_017777.4 (MANE Select); coding-DNA position 47, G replaced by A.
Protein change: p.Arg16His; replaces arginine 16 with histidine.
Molecular consequence: missense variant. On other transcripts: 5 prime UTR variant (1).
Genome position (GRCh38, 1-based): chr17:58,219,184, C>T on the plus strand (G>A on the coding strand, the complement: MKS1 is on the minus strand). VCF-style: chr17-58219184-C-T. GRCh37 (hg19) VCF-style: chr17-56296545-C-T.
Other names: c.-465G>A (NM_001321268.2); c.47G>A, p.Arg16His (NM_001321269.2, NM_001330397.2); short protein forms R16H.
Identifiers: ClinVar variation 1406919 (VCV001406919.6), dbSNP rs1969447926, ClinGen allele CA400328165.